The following is an entry in ClinVar:

ClinVar aggregate classification (germline): Conflicting classifications of pathogenicity. Review status: criteria provided, conflicting classifications (1 of 4 stars). 2 submissions from 2 submitters: Likely pathogenic (1); Uncertain significance (1). Last evaluated 2021-07-19.

Conditions:
Multiple endocrine neoplasia, type 1 (MEN1). Also called: MEN I; WERMER SYNDROME; Endocrine adenomatosis multiple; MEN 1; MEA I. Identifiers: Orphanet 652, MedGen C0025267, MeSH D018761, MONDO:0007540, OMIM 131100.

Submissions (2):

Labcorp Genetics (formerly Invitae), Labcorp
Classification: Likely pathogenic for Multiple endocrine neoplasia, type 1. Last evaluated: 2021-07-19. Review status: criteria provided, single submitter. Criteria: Invitae Variant Classification Sherloc (09022015). Collection method: clinical testing. Allele origin: germline.
Comment: In summary, the currently available evidence indicates that the variant is pathogenic, but additional data are needed to prove that conclusively. Therefore, this variant has been classified as Likely Pathogenic. Advanced modeling of protein sequence and biophysical properties (such as structural, functional, and spatial information, amino acid conservation, physicochemical variation, residue mobility, and thermodynamic stability) performed at Invitae indicates that this missense variant is expected to disrupt MEN1 protein function. This variant has been observed in individual(s) with clinical features of multiple endocrine neoplasia type 1 (Invitae). ClinVar contains an entry for this variant (Variation ID: 457338). This variant is not present in population databases (ExAC no frequency). This sequence change replaces glutamic acid with glutamine at codon 255 of the MEN1 protein (p.Glu255Gln). The glutamic acid residue is highly conserved and there is a small physicochemical difference between glutamic acid and glutamine.

ARUP Laboratories, Molecular Genetics and Genomics, ARUP Laboratories
Classification: Uncertain significance. Last evaluated: 2017-12-03. Review status: criteria provided, single submitter. Criteria: ARUP Molecular Germline Variant Investigation Process. Collection method: clinical testing. Allele origin: germline.

NM_001370259.2(MEN1):c.763G>C (p.Glu255Gln)

Gene: MEN1 (menin 1; minus strand). Cytogenetic location: 11q13.1.
Variant type: single nucleotide variant.
Coding change: c.763G>C on transcript NM_001370259.2 (MANE Select); coding-DNA position 763, G replaced by C.
Protein change: p.Glu255Gln; replaces glutamic acid 255 with glutamine.
Molecular consequence: missense variant.
Genome position (GRCh38, 1-based): chr11:64,807,572, C>G on the plus strand (G>C on the coding strand, the complement: MEN1 is on the minus strand). VCF-style: chr11-64807572-C-G. GRCh37 (hg19) VCF-style: chr11-64575044-C-G.
Other names: c.778G>C, p.Glu260Gln (NM_130803.3, NM_130804.3, NM_000244.4 and 3 more transcripts); c.763G>C, p.Glu255Gln (NM_001370251.2, NM_001370260.2, NM_001370261.2 and 1 more transcripts); c.658G>C, p.Glu220Gln (NM_001370262.2, NM_001370263.2); short protein forms E260Q, E255Q, E220Q.
Identifiers: ClinVar variation 457338 (VCV000457338.15), dbSNP rs104894268, ClinGen allele CA381184221.